The following is an entry in ClinVar:

NM_001401501.2(MUC16):c.42706G>A (p.Val14236Ile)

Gene: MUC16 (mucin 16, cell surface associated; minus strand). Cytogenetic location: 19p13.2.
Variant type: single nucleotide variant.
Coding change: c.42706G>A on transcript NM_001401501.2 (MANE Select); coding-DNA position 42706, G replaced by A.
Protein change: p.Val14236Ile; replaces valine 14236 with isoleucine.
Molecular consequence: missense variant.
Genome position (GRCh38, 1-based): chr19:8,891,960, C>T on the plus strand (G>A on the coding strand, the complement: MUC16 is on the minus strand). VCF-style: chr19-8891960-C-T. GRCh37 (hg19) VCF-style: chr19-9002636-C-T.
Other names: c.43132G>A, p.Val14378Ile (NM_001414686.1); c.42586G>A, p.Val14196Ile (NM_001414687.1); c.40180G>A, p.Val13394Ile (NM_024690.2); short protein forms V13394I, V14196I, V14236I, V14378I.
Identifiers: ClinVar variation 3056595 (VCV003056595.2), dbSNP rs754730196, ClinGen allele CA9163528.

ClinVar aggregate classification (germline): Benign (0 of 4 stars; one submission).

Conditions:
MUC16-related disorder. Also called: MUC16-related condition.

Allele frequency attached by ClinVar (database versions not stated): 1000 Genomes Project 30x 0.03607; ExAC 0.36241.

Submission:

PreventionGenetics, part of Exact Sciences
Classification: Benign for MUC16-related condition. Last evaluated: 2019-03-01. Review status: no assertion criteria provided. Collection method: clinical testing. Allele origin: germline.
Comment: This variant is classified as benign based on ACMG/AMP sequence variant interpretation guidelines (Richards et al. 2015 PMID: 25741868, with internal and published modifications).